The following is an entry in ClinVar:

ClinVar aggregate classification (germline): Uncertain significance (1 of 4 stars; one submission).

Allele frequency attached by ClinVar (database versions not stated): gnomAD exomes below 0.00001.
gnomAD v4.1: 1 of 1,211,753 alleles (0.000083%); highest among the groups gnomAD compares: Non-Finnish European, 0.00011%; no homozygotes.

Submission:

Labcorp Genetics (formerly Invitae), Labcorp
Classification: Uncertain significance. Last evaluated: 2022-11-15. Review status: criteria provided, single submitter. Criteria: Invitae Variant Classification Sherloc (09022015). Collection method: clinical testing. Allele origin: germline.
Comment: In summary, the available evidence is currently insufficient to determine the role of this variant in disease. Therefore, it has been classified as a Variant of Uncertain Significance. This variant has not been reported in the literature in individuals affected with RNF113A-related conditions. This variant is not present in population databases (gnomAD no frequency). This sequence change affects codon 121 of the RNF113A mRNA. It is a 'silent' change, meaning that it does not change the encoded amino acid sequence of the RNF113A protein.

NM_006978.3(RNF113A):c.363G>A (p.Glu121=)

Gene: RNF113A (ring finger protein 113A; minus strand). Cytogenetic location: Xq24.
Variant type: single nucleotide variant.
Coding change: c.363G>A on transcript NM_006978.3 (MANE Select); coding-DNA position 363, G replaced by A.
Protein change: p.Glu121=; no amino-acid change (glutamic acid 121 retained).
Molecular consequence: synonymous variant.
Genome position (GRCh38, 1-based): chrX:119,871,251, C>T on the plus strand (G>A on the coding strand, the complement: RNF113A is on the minus strand). VCF-style: chrX-119871251-C-T. GRCh37 (hg19) VCF-style: chrX-119005214-C-T.
Identifiers: ClinVar variation 2814465 (VCV002814465.3), dbSNP rs2521608440, ClinGen allele CA518447660.